The following is an entry in ClinVar:

NM_000369.5(TSHR):c.1358T>G (p.Met453Arg)

Genes: TSHR (thyroid stimulating hormone receptor; plus strand), TSHR-AS1 (TSHR antisense RNA 1; minus strand). Cytogenetic location: 14q31.1.
Variant type: single nucleotide variant.
Coding change: c.1358T>G on transcript NM_000369.5 (MANE Select); coding-DNA position 1358, T replaced by G.
Protein change: p.Met453Arg; replaces methionine 453 with arginine.
Molecular consequence: missense variant.
Genome position (GRCh38, 1-based): chr14:81,143,416, T>G. VCF-style: chr14-81143416-T-G. GRCh37 (hg19) VCF-style: chr14-81609760-T-G.
Other names: short protein forms M453R.
Identifiers: ClinVar variation 4922728 (VCV004922728.3).
Genomic context (GRCh38, chr14:81,143,416, plus strand): 5'-TCTTTGTCCTGCTTATTCTCCTCACCAGCCACTACAAACTGAACGTCCCCCGCTTTCTCA[T>G]GTGCAACCTGGCCTTTGCGGATTTCTGCATGGGGATGTACCTGCTCCTCATCGCCTCTGT-3'
Protein context (NP_000360.2, residues 443-463): HYKLNVPRFL[Met453Arg]CNLAFADFCM

ClinVar aggregate classification (germline): Conflicting classifications of pathogenicity. Review status: criteria provided, conflicting classifications (1 of 4 stars). 2 submissions from 2 submitters: Pathogenic (1); Uncertain significance (1). Last evaluated 2024-06-14.

Conditions:
Hypothyroidism due to TSH receptor mutations. Also called: Hypothyroidism, congenital, nongoitrous, 1; HYPOTHYROIDISM DUE TO UNRESPONSIVENESS TO THYROTROPIN; HYPOTHYROIDISM, CONGENITAL, DUE TO TSH RESISTANCE; HYPOTHYROIDISM, NONAUTOIMMUNE; THYROID-STIMULATING HORMONE, RESISTANCE TO; TSH RESISTANCE. Identifiers: Orphanet 90673, MedGen C3493776, MONDO:0010142, OMIM 275200.
Familial gestational hyperthyroidism. Identifiers: Orphanet 99819, MedGen C1863959, MONDO:0011309, OMIM 603373.
Familial hyperthyroidism due to mutations in TSH receptor. Also called: HYPERTHYROIDISM, CONGENITAL NONAUTOIMMUNE; HYPERTHYROIDISM, NONAUTOIMMUNE, AUTOSOMAL DOMINANT; TOXIC THYROID HYPERPLASIA, AUTOSOMAL DOMINANT. Identifiers: Orphanet 424, MedGen C1836706, MONDO:0012203, OMIM 609152.
TSHR-related disorder. Also called: TSHR-related condition; TSHR-related disorders.

Submissions (2):

Blueprint Genetics
Classification: Pathogenic for TSHR-related disorders. Last evaluated: 2024-06-14. Review status: criteria provided, single submitter. Criteria: ACMG Guidelines, 2015. Collection method: clinical testing. Allele origin: germline. Affected: yes. Observed: 1 variant allele.

Juno Genomics, Hangzhou Juno Genomics, Inc
Classification: Uncertain significance for Familial gestational hyperthyroidism; Familial hyperthyroidism due to mutations in TSH receptor; Hypothyroidism due to TSH receptor mutations. Review status: criteria provided, single submitter. Criteria: ACMG Guidelines, 2015. Collection method: clinical testing. Allele origin: germline.
Comment: Absent from controls (or at extremely low frequency if recessive) in Genome Aggregation Database.;Well-established in vitro or in vivo functional studies supportive of a damaging effect on the gene or gene product.;Co-segregation with disease in multiple affected family members.